The following is an entry in ClinVar:

NM_001354604.2(MITF):c.814_823del (p.Pro272fs)

Gene: MITF (melanocyte inducing transcription factor; plus strand). Cytogenetic location: 3p13.
Variant type: Deletion.
Coding change: c.814_823del on transcript NM_001354604.2 (MANE Select); coding-DNA positions 814 to 823, 10 bases deleted (CCACCAGGCC; older notation c.814_823delCCACCAGGCC).
Protein change: p.Pro272fs; shifts the reading frame from proline 272.
Molecular consequence: frameshift variant.
Genome position (GRCh38, 1-based): chr3:69,949,102-69,949,111, CCACCAGGCC deleted; deleting any 10 consecutive bases within chr3:69,949,100-69,949,111 gives the same sequence; the c. name uses the placement nearest the transcript's 3' end. VCF-style (leftmost placement, unchanged base first): chr3-69949099-CCCCCACCAGG-C. GRCh37 (hg19) VCF-style: chr3-69998250-CCCCCACCAGG-C.
Other names: c.493_502del, p.Pro165fs (NM_000248.4, NM_198158.3); c.658_667del, p.Pro220fs (NM_001184967.2, NM_001354608.2); c.811_820del, p.Pro271fs (NM_001354605.2, NM_001354606.2, NM_006722.3); c.763_772del, p.Pro255fs (NM_001354607.2); c.814_823del, p.Pro272fs (NM_198159.3); c.766_775del, p.Pro256fs (NM_198177.3); c.325_334del, p.Pro109fs (NM_198178.3); short protein forms P109fs, P165fs, P220fs, P255fs, P256fs, P271fs, P272fs.
Identifiers: ClinVar variation 3601250 (VCV003601250.1).

ClinVar aggregate classification (germline): Pathogenic (1 of 4 stars; one submission).

Conditions:
Waardenburg syndrome type 2A (WS2A). Also called: WAARDENBURG SYNDROME WITHOUT DYSTOPIA CANTHORUM. Identifiers: Orphanet 3440, MedGen C1860339, MONDO:0008671, OMIM 193510.

Submission:

Institute of Rare Diseases, West China Hospital, Sichuan University
Classification: Pathogenic for Waardenburg syndrome type 2A. Last evaluated: 2025-01-09. Review status: criteria provided, single submitter. Criteria: ClinGen HL ACMG Specifications v1. Collection method: research. Allele origin: germline. Affected: yes.
Comment: PM1;PVS1;PM2_Supporting